The following is an entry in ClinVar:

NM_000432.4(MYL2):c.402+4A>T

Gene: MYL2 (myosin light chain 2; minus strand). Cytogenetic location: 12q24.11.
Variant type: single nucleotide variant.
Coding change: c.402+4A>T on transcript NM_000432.4 (MANE Select); 4 bases into the intron after coding-DNA position 402, A replaced by T.
Molecular consequence: intron variant.
Genome position (GRCh38, 1-based): chr12:110,913,092, T>A on the plus strand (A>T on the coding strand, the complement: MYL2 is on the minus strand). VCF-style: chr12-110913092-T-A. GRCh37 (hg19) VCF-style: chr12-111350896-T-A.
Other names: c.345+4A>T (NM_001406916.1); c.360+4A>T (NM_001406745.1).
Identifiers: ClinVar variation 3894351 (VCV003894351.1).

ClinVar aggregate classification (germline): Uncertain significance (1 of 4 stars; one submission).

Conditions:
Cardiomyopathy (CMYO). Also called: Cardiomyopathies. Identifiers: Orphanet 167848, MedGen C0878544, MONDO:0004994, HP:0001638. Inheritance: Various modes of inheritance.

Submission:

Color Diagnostics, LLC DBA Color Health
Classification: Uncertain significance for Cardiomyopathy. Last evaluated: 2024-02-13. Review status: criteria provided, single submitter. Criteria: ACMG Guidelines, 2015. Collection method: clinical testing. Allele origin: germline.
Comment: This variant causes an A to T nucleotide substitution at the +4 position of intron 6 of the MYL2 gene. To our knowledge, functional studies have not been reported for this variant. This variant has not been reported in individuals affected with MYL2-related disorders in the literature. This variant has not been identified in the general population by the Genome Aggregation Database (gnomAD). The available evidence is insufficient to determine the role of this variant in disease conclusively. Therefore, this variant is classified as a Variant of Uncertain Significance.